The following is an entry in ClinVar:

NM_031935.3(HMCN1):c.1684C>A (p.Leu562Met)

Gene: HMCN1 (hemicentin 1; plus strand). Cytogenetic location: 1q31.1.
Variant type: single nucleotide variant.
Coding change: c.1684C>A on transcript NM_031935.3 (MANE Select); coding-DNA position 1684, C replaced by A.
Protein change: p.Leu562Met; replaces leucine 562 with methionine.
Molecular consequence: missense variant.
Genome position (GRCh38, 1-based): chr1:185,933,680, C>A. VCF-style: chr1-185933680-C-A. GRCh37 (hg19) VCF-style: chr1-185902812-C-A.
Other names: short protein forms L562M.
Identifiers: ClinVar variation 3687456 (VCV003687456.2).

ClinVar aggregate classification (germline): Uncertain significance (1 of 4 stars; one submission).

Submission:

Labcorp Genetics (formerly Invitae), Labcorp
Classification: Uncertain significance. Last evaluated: 2024-02-08. Review status: criteria provided, single submitter. Criteria: Invitae Variant Classification Sherloc (09022015). Collection method: clinical testing. Allele origin: germline.
Comment: This sequence change replaces leucine, which is neutral and non-polar, with methionine, which is neutral and non-polar, at codon 562 of the HMCN1 protein (p.Leu562Met). This variant is not present in population databases (gnomAD no frequency). This variant has not been reported in the literature in individuals affected with HMCN1-related conditions. An algorithm developed to predict the effect of missense changes on protein structure and function (PolyPhen-2) suggests that this variant is likely to be disruptive. In summary, the available evidence is currently insufficient to determine the role of this variant in disease. Therefore, it has been classified as a Variant of Uncertain Significance.